The following is an entry in ClinVar:

NM_000277.3(PAH):c.724C>T (p.Leu242Phe)

Gene: PAH (phenylalanine hydroxylase; minus strand). Cytogenetic location: 12q23.2.
Variant type: single nucleotide variant.
Coding change: c.724C>T on transcript NM_000277.3 (MANE Select); coding-DNA position 724, C replaced by T.
Protein change: p.Leu242Phe; replaces leucine 242 with phenylalanine.
Molecular consequence: missense variant.
Genome position (GRCh38, 1-based): chr12:102,852,933, G>A on the plus strand (C>T on the coding strand, the complement: PAH is on the minus strand). VCF-style: chr12-102852933-G-A. GRCh37 (hg19) VCF-style: chr12-103246711-G-A.
Other names: NM_000277.1(PAH):c.724C>T; c.724C>T, p.Leu242Phe (NM_001354304.2); short protein forms L242F.
Identifiers: ClinVar variation 102807 (VCV000102807.14), dbSNP rs199475578, ClinGen allele CA229718.

ClinVar aggregate classification (germline): Pathogenic. Review status: reviewed by expert panel (3 of 4 stars). 6 submissions from 6 submitters: Pathogenic (1). 5 of the submissions do not count toward it. Last evaluated 2020-09-14.

Conditions:
Phenylketonuria (PKU). Also called: Phenylketonuria (PKU); FOLLING DISEASE; OLIGOPHRENIA PHENYLPYRUVICA; Phenylketonurias. Identifiers: Orphanet 716, MedGen C0031485, MONDO:0009861, OMIM 261600. Disease mechanism: loss of function.

Allele frequency attached by ClinVar (database versions not stated): gnomAD exomes below 0.00001.
gnomAD v4.1: 2 of 1,614,100 alleles (0.00012%); highest among the groups gnomAD compares: Non-Finnish European, 0.00017%; no homozygotes.

Submissions (6):

ClinGen PAH Variant Curation Expert Panel
Classification: Pathogenic for Phenylketonuria. Last evaluated: 2020-09-14. Review status: reviewed by expert panel. Criteria: ClinGen PAH ACMG Specifications v1. Collection method: curation. Allele origin: germline. Inheritance: Autosomal recessive inheritance.
Comment: The c.724C>T (p.Leu242Phe) variant in PAH has been reported in multiple individuals with PAH deficiency (BH4 deficiency excluded). (PMID: 1363786, 21147011). This variant is absent in population databases. It was detected with multiple pathogenic/likely pathogenic variants: p.R158Q (PMID: 24190797); IVS10-11G>A (PMID: 21147011); p.R252W (PMID: 1363786); p.V399V (PMID: 26600521); c.1315+4A>G (PMID: 25456745); p.R408W (PMID: 19244369); p.R241C (PMID: 30050108); c.1068C>A p.Tyr356* (2 patients), p.Arg243Gln (PMID: 28982351) 7.75 pts. Multiple lines of computational evidence support a deleterious effect. In summary, this variant meets criteria to be classified as pathogenic for PAH. PAH-specific ACMG/AMP criteria applied: PM3_very-strong, PM2, PP4_Moderate, PP3.

Labcorp Genetics (formerly Invitae), Labcorp
Classification: Pathogenic for Phenylketonuria. Last evaluated: 2026-01-06. Review status: criteria provided, single submitter. Criteria: Invitae Variant Classification Sherloc (09022015). Collection method: clinical testing. Allele origin: germline. Not counted in ClinVar's aggregate classification.
Comment: This sequence change replaces leucine, which is neutral and non-polar, with phenylalanine, which is neutral and non-polar, at codon 242 of the PAH protein (p.Leu242Phe). This variant is not present in population databases (gnomAD no frequency). This missense change has been observed in individual(s) with PAH-related conditions (PMID: 1363786, 21147011, 25456745, 29390883). ClinVar contains an entry for this variant (Variation ID: 102807). Invitae Evidence Modeling of protein sequence and biophysical properties (such as structural, functional, and spatial information, amino acid conservation, physicochemical variation, residue mobility, and thermodynamic stability) indicates that this missense variant is expected to disrupt PAH protein function with a positive predictive value of 80%. For these reasons, this variant has been classified as Pathogenic.

Women's Health and Genetics/Laboratory Corporation of America, LabCorp
Classification: Pathogenic for Phenylketonuria. Last evaluated: 2024-05-15. Review status: criteria provided, single submitter. Criteria: LabCorp Variant Classification Summary - May 2015. Collection method: clinical testing. Allele origin: germline. Not counted in ClinVar's aggregate classification.
Comment: Variant summary: PAH c.724C>T (p.Leu242Phe) results in a non-conservative amino acid change located in the Aromatic amino acid hydroxylase, C-terminal (IPR019774) of the encoded protein sequence. Five of five in-silico tools predict a damaging effect of the variant on protein function. The variant was absent in 251030 control chromosomes. c.724C>T has been reported in the literature in multiple compound heterozygous individuals affected with Phenylalanine Hydroxylase Deficiency (Phenylketonuria)/Hyperphenylalaninemia (e.g. Cao_2014, Dworniczak_1992, Liu_2017, van Calcar_2009, Yan_2020). These data indicate that the variant is very likely to be associated with disease. The following publications have been ascertained in the context of this evaluation (PMID: 25456745, 1363786, 28982351, 32039316, 19244369). ClinVar contains an entry for this variant (Variation ID: 102807). Based on the evidence outlined above, the variant was classified as pathogenic.

Baylor Genetics
Classification: Pathogenic for Phenylketonuria. Last evaluated: 2023-05-22. Review status: criteria provided, single submitter. Criteria: ACMG Guidelines, 2015. Collection method: clinical testing. Allele origin: unknown. Not counted in ClinVar's aggregate classification.

Counsyl
Classification: Likely pathogenic for Phenylketonuria. Last evaluated: 2016-11-02. Review status: no assertion criteria provided. Collection method: clinical testing. Allele origin: unknown. Not counted in ClinVar's aggregate classification.

DeBelle Laboratory for Biochemical Genetics, MUHC/MCH RESEARCH INSTITUTE
No classification provided. Review status: no classification provided. Collection method: not provided. Allele origin: not provided. Not counted in ClinVar's aggregate classification.

Literature cited by the submitters: PubMed 21147011 (cited by 3 submitters); PubMed 1363786 (cited by 4 submitters); PubMed 24190797 (cited by ClinGen PAH Variant Curation Expert Panel and Counsyl); PubMed 25456745 (cited by 3 submitters); PubMed 29390883 (cited by Labcorp Genetics (formerly Invitae), Labcorp); PubMed 28982351 (cited by Women's Health and Genetics/Laboratory Corporation of America, LabCorp); PubMed 32039316 (cited by Women's Health and Genetics/Laboratory Corporation of America, LabCorp); PubMed 19244369 (cited by Women's Health and Genetics/Laboratory Corporation of America, LabCorp); PubMed 19915519 (cited by Counsyl); PubMed 26600521 (cited by Counsyl).